The following is an entry in ClinVar:

NM_007055.4(POLR3A):c.234C>A (p.Asp78Glu)

Genes: POLR3A (RNA polymerase III subunit A; minus strand), LOC126860971 (CDK7 strongly-dependent group 2 enhancer GRCh37_chr10:79784551-79785750; plus strand). Cytogenetic location: 10q22.3.
Variant type: single nucleotide variant.
Coding change: c.234C>A on transcript NM_007055.4 (MANE Select); coding-DNA position 234, C replaced by A.
Protein change: p.Asp78Glu; replaces aspartic acid 78 with glutamic acid.
Molecular consequence: missense variant.
Genome position (GRCh38, 1-based): chr10:78,025,706, G>T on the plus strand (C>A on the coding strand, the complement: POLR3A is on the minus strand). VCF-style: chr10-78025706-G-T. GRCh37 (hg19) VCF-style: chr10-79785464-G-T.
Other names: short protein forms D78E.
Identifiers: ClinVar variation 1408117 (VCV001408117.7), dbSNP rs1184657366, ClinGen allele CA377347309.

ClinVar aggregate classification (germline): Uncertain significance (1 of 4 stars; one submission).

Allele frequency attached by ClinVar (database versions not stated): gnomAD exomes 0.00002.
gnomAD v4.1: 4 of 1,613,930 alleles (0.00025%); highest among the groups gnomAD compares: Admixed American, 0.0067%; no homozygotes.

Submission:

Labcorp Genetics (formerly Invitae), Labcorp
Classification: Uncertain significance. Last evaluated: 2025-01-06. Review status: criteria provided, single submitter. Criteria: Invitae Variant Classification Sherloc (09022015). Collection method: clinical testing. Allele origin: germline.
Comment: This sequence change replaces aspartic acid, which is acidic and polar, with glutamic acid, which is acidic and polar, at codon 78 of the POLR3A protein (p.Asp78Glu). This variant is present in population databases (no rsID available, gnomAD 0.01%). This variant has not been reported in the literature in individuals affected with POLR3A-related conditions. ClinVar contains an entry for this variant (Variation ID: 1408117). Invitae Evidence Modeling of protein sequence and biophysical properties (such as structural, functional, and spatial information, amino acid conservation, physicochemical variation, residue mobility, and thermodynamic stability) indicates that this missense variant is not expected to disrupt POLR3A protein function with a negative predictive value of 80%. In summary, the available evidence is currently insufficient to determine the role of this variant in disease. Therefore, it has been classified as a Variant of Uncertain Significance.